The following is an entry in ClinVar:

ClinVar aggregate classification (germline): Conflicting classifications of pathogenicity. Review status: criteria provided, conflicting classifications (1 of 4 stars). 3 submissions from 3 submitters: Uncertain significance (2); Likely benign (1). Last evaluated 2025-11-21.

Conditions:
Inborn genetic diseases. Identifiers: MedGen C0950123, MeSH D030342.
DYNC1H1-related disorder. Also called: DYNC1H1-related disorders; DYNC1H1-related condition. Identifiers: MedGen CN381529.
Charcot-Marie-Tooth disease axonal type 2O. Also called: CHARCOT-MARIE-TOOTH NEUROPATHY, AXONAL, TYPE 2O; CHARCOT-MARIE-TOOTH DISEASE, AXONAL, AUTOSOMAL DOMINANT, TYPE 2O; Charcot-Marie-Tooth Neuropathy Type 2O; Charcot-Marie-Tooth disease, axonal, type 20. Identifiers: Orphanet 284232, MedGen C3280220, MONDO:0013644, OMIM 614228.

Allele frequency attached by ClinVar (database versions not stated): TOPMed 0.00001.

Submissions (3):

Labcorp Genetics (formerly Invitae), Labcorp
Classification: Likely benign for Charcot-Marie-Tooth disease axonal type 2O. Last evaluated: 2025-11-21. Review status: criteria provided, single submitter. Criteria: Invitae Variant Classification Sherloc (09022015). Collection method: clinical testing. Allele origin: germline.

PreventionGenetics, part of Exact Sciences
Classification: Uncertain significance for DYNC1H1-related condition. Last evaluated: 2024-11-08. Review status: criteria provided, single submitter. Criteria: ACMG Guidelines, 2015. Collection method: clinical testing. Allele origin: germline.
Comment: The DYNC1H1 c.13060G>T variant is predicted to result in the amino acid substitution p.Asp4354Tyr. To our knowledge, this variant has not been reported in the literature. This variant is reported in 0.0065% of alleles in individuals of European (Non-Finnish) descent in gnomAD. At this time, the clinical significance of this variant is uncertain due to the absence of conclusive functional and genetic evidence.

Ambry Genetics
Classification: Uncertain significance for Inborn genetic diseases. Last evaluated: 2022-12-02. Review status: criteria provided, single submitter. Criteria: Ambry Variant Classification Scheme 2023. Collection method: clinical testing. Allele origin: germline.

NM_001376.5(DYNC1H1):c.13060G>T (p.Asp4354Tyr)

Gene: DYNC1H1 (dynein cytoplasmic 1 heavy chain 1; plus strand). Cytogenetic location: 14q32.31.
Variant type: single nucleotide variant.
Coding change: c.13060G>T on transcript NM_001376.5 (MANE Select); coding-DNA position 13060, G replaced by T.
Protein change: p.Asp4354Tyr; replaces aspartic acid 4354 with tyrosine.
Molecular consequence: missense variant.
Genome position (GRCh38, 1-based): chr14:102,047,870, G>T. VCF-style: chr14-102047870-G-T. GRCh37 (hg19) VCF-style: chr14-102514207-G-T.
Other names: c.13060G>T (NM_001376.4); short protein forms D4354Y.
Identifiers: ClinVar variation 1022063 (VCV001022063.10), dbSNP rs1449580462, ClinGen allele CA391045882.